The following is an entry in ClinVar:

ClinVar aggregate classification (germline): Uncertain significance (1 of 4 stars; one submission).

Conditions:
NPC1-related disorder. Also called: NPC1-related condition.

Submission:

PreventionGenetics, part of Exact Sciences
Classification: Uncertain significance for NPC1-related condition. Last evaluated: 2025-11-14. Review status: criteria provided, single submitter. Criteria: ACMG Guidelines, 2015. Collection method: clinical testing. Allele origin: germline.
Comment: The NPC1 c.3771delA variant is predicted to result in a frameshift and premature protein termination (p.Ala1258Profs*19). This variant is located within the terminal exon of NPC1 and may not undergo nonsense-mediated decay. To our knowledge, this variant has not been reported in the literature or in a large population database (gnomAD), indicating this variant is rare. At this time, the clinical significance of this variant is uncertain due to the absence of conclusive functional and genetic evidence.

NM_000271.5(NPC1):c.3771del (p.Ala1258fs)

Gene: NPC1 (NPC intracellular cholesterol transporter 1; minus strand). Cytogenetic location: 18q11.2.
Variant type: Deletion.
Coding change: c.3771del on transcript NM_000271.5 (MANE Select); coding-DNA position 3771, one base deleted (A; older notation c.3771delA).
Protein change: p.Ala1258fs; shifts the reading frame from alanine 1258.
Molecular consequence: frameshift variant.
Genome position (GRCh38, 1-based): chr18:23,532,268, T deleted on the plus strand (A on the coding strand, the reverse complement: NPC1 is on the minus strand); the first of 3 consecutive T bases (chr18:23,532,268-23,532,270); deleting any one gives the same sequence. VCF-style (leftmost placement, unchanged base first): chr18-23532267-CT-C. GRCh37 (hg19) VCF-style: chr18-21112231-CT-C.
Other names: short protein forms A1258fs.
Identifiers: ClinVar variation 4994689 (VCV004994689.1).